The following is an entry in ClinVar:

NM_198859.4(PRICKLE2):c.991G>C (p.Ala331Pro)

Gene: PRICKLE2 (prickle planar cell polarity protein 2; minus strand). Cytogenetic location: 3p14.1.
Variant type: single nucleotide variant.
Coding change: c.991G>C on transcript NM_198859.4 (MANE Select); coding-DNA position 991, G replaced by C.
Protein change: p.Ala331Pro; replaces alanine 331 with proline.
Molecular consequence: missense variant.
Genome position (GRCh38, 1-based): chr3:64,147,499, C>G on the plus strand (G>C on the coding strand, the complement: PRICKLE2 is on the minus strand). VCF-style: chr3-64147499-C-G. GRCh37 (hg19) VCF-style: chr3-64133175-C-G.
Other names: c.991G>C, p.Ala331Pro (NM_001370528.1); short protein forms A331P.
Identifiers: ClinVar variation 1521735 (VCV001521735.8), dbSNP rs1406891675, ClinGen allele CA353431949.

ClinVar aggregate classification (germline): Uncertain significance (1 of 4 stars; one submission).

Conditions:
Progressive myoclonic epilepsy type 5. Identifiers: Orphanet 402082, MedGen C5190799.

gnomAD v4.1: 3 of 1,614,260 alleles (0.00019%); highest among the groups gnomAD compares: Admixed American, 0.005%; no homozygotes.

Submission:

Labcorp Genetics (formerly Invitae), Labcorp
Classification: Uncertain significance for Progressive myoclonic epilepsy type 5. Last evaluated: 2026-01-23. Review status: criteria provided, single submitter. Criteria: Invitae Variant Classification Sherloc (09022015). Collection method: clinical testing. Allele origin: germline.
Comment: This sequence change replaces alanine, which is neutral and non-polar, with proline, which is neutral and non-polar, at codon 331 of the PRICKLE2 protein (p.Ala331Pro). This variant is present in population databases (no rsID available, gnomAD 0.006%). This variant has not been reported in the literature in individuals affected with PRICKLE2-related conditions. ClinVar contains an entry for this variant (Variation ID: 1521735). Invitae Evidence Modeling of protein sequence and biophysical properties (such as structural, functional, and spatial information, amino acid conservation, physicochemical variation, residue mobility, and thermodynamic stability) indicates that this missense variant is not expected to disrupt PRICKLE2 protein function with a negative predictive value of 80%. In summary, the available evidence is currently insufficient to determine the role of this variant in disease. Therefore, it has been classified as a Variant of Uncertain Significance.